The following is an entry in ClinVar:

ClinVar aggregate classification (germline): Likely benign (1 of 4 stars; one submission).

Allele frequency attached by ClinVar (database versions not stated): gnomAD exomes 0.00413; gnomAD 0.00735.

Submission:

GeneDx
Classification: Likely benign. Last evaluated: 2020-04-01. Review status: criteria provided, single submitter. Criteria: GeneDx Variant Classification Process June 2021. Collection method: clinical testing. Allele origin: germline. Affected: yes.
Comment: See Variant Classification Assertion Criteria.

NM_001018115.3(FANCD2):c.783+133_783+134insC

Genes: FANCD2 (FA complementation group D2; plus strand), LOC107303338 (3p25 FANCD2 Alu-mediated recombination region; plus strand). Cytogenetic location: 3p25.3.
Variant type: Insertion.
Coding change: c.783+133_783+134insC on transcript NM_001018115.3 (MANE Select); bases 133 to 134 of the intron after coding-DNA position 783, C inserted.
Molecular consequence: intron variant.
Genome position: GRCh38 VCF-style: chr3-10041843-T-TC. GRCh37 (hg19) VCF-style: chr3-10083527-T-TC.
Other names: c.783+133_783+134insC (NM_001319984.2, NM_001374253.1, NM_033084.6 and 1 more transcripts).
Identifiers: ClinVar variation 1804589 (VCV001804589.1), dbSNP rs1491375951, ClinGen allele CA70026152.